The following is an entry in ClinVar:

ClinVar aggregate classification (germline): Uncertain significance (1 of 4 stars; one submission).

Allele frequency attached by ClinVar (database versions not stated): gnomAD 0.00005 and 0.00002; TOPMed 0.00005; gnomAD exomes 0.00007; 1000 Genomes Project 30x 0.00031.
gnomAD v4.1: 102 of 1,614,034 alleles (0.0063%); highest among the groups gnomAD compares: South Asian, 0.082%; 1 homozygote.

Submission:

Labcorp Genetics (formerly Invitae), Labcorp
Classification: Uncertain significance. Last evaluated: 2023-09-24. Review status: criteria provided, single submitter. Criteria: Invitae Variant Classification Sherloc (09022015). Collection method: clinical testing. Allele origin: germline.
Comment: In summary, the available evidence is currently insufficient to determine the role of this variant in disease. Therefore, it has been classified as a Variant of Uncertain Significance. An algorithm developed to predict the effect of missense changes on protein structure and function (PolyPhen-2) suggests that this variant is likely to be tolerated. ClinVar contains an entry for this variant (Variation ID: 1006391). This variant has not been reported in the literature in individuals affected with CHCHD2-related conditions. This variant is present in population databases (rs775396143, gnomAD 0.06%), and has an allele count higher than expected for a pathogenic variant. This sequence change replaces glutamic acid, which is acidic and polar, with aspartic acid, which is acidic and polar, at codon 135 of the CHCHD2 protein (p.Glu135Asp).

NM_016139.4(CHCHD2):c.405G>T (p.Glu135Asp)

Gene: CHCHD2 (coiled-coil-helix-coiled-coil-helix domain containing 2; minus strand). Cytogenetic location: 7p11.2.
Variant type: single nucleotide variant.
Coding change: c.405G>T on transcript NM_016139.4 (MANE Select); coding-DNA position 405, G replaced by T.
Protein change: p.Glu135Asp; replaces glutamic acid 135 with aspartic acid.
Molecular consequence: missense variant.
Genome position (GRCh38, 1-based): chr7:56,102,907, C>A on the plus strand (G>T on the coding strand, the complement: CHCHD2 is on the minus strand). VCF-style: chr7-56102907-C-A. GRCh37 (hg19) VCF-style: chr7-56170600-C-A.
Other names: c.405G>T, p.Glu135Asp (NM_001320327.2); short protein forms E135D.
Identifiers: ClinVar variation 1006391 (VCV001006391.9), dbSNP rs775396143, ClinGen allele CA4270503.